The following is an entry in ClinVar:

ClinVar aggregate classification (germline): Uncertain significance (1 of 4 stars; one submission).

Allele frequency attached by ClinVar (database versions not stated): gnomAD 0.00001.

Submission:

Labcorp Genetics (formerly Invitae), Labcorp
Classification: Uncertain significance. Last evaluated: 2024-11-27. Review status: criteria provided, single submitter. Criteria: Invitae Variant Classification Sherloc (09022015). Collection method: clinical testing. Allele origin: germline.
Comment: This sequence change replaces glycine, which is neutral and non-polar, with cysteine, which is neutral and slightly polar, at codon 66 of the BGN protein (p.Gly66Cys). This variant is present in population databases (no rsID available, gnomAD 0.004%). This variant has not been reported in the literature in individuals affected with BGN-related conditions. ClinVar contains an entry for this variant (Variation ID: 2799744). Invitae Evidence Modeling of protein sequence and biophysical properties (such as structural, functional, and spatial information, amino acid conservation, physicochemical variation, residue mobility, and thermodynamic stability) has been performed for this missense variant. However, the output from this modeling did not meet the statistical confidence thresholds required to predict the impact of this variant on BGN protein function. In summary, the available evidence is currently insufficient to determine the role of this variant in disease. Therefore, it has been classified as a Variant of Uncertain Significance.

NM_001711.6(BGN):c.196G>T (p.Gly66Cys)

Gene: BGN (biglycan; plus strand). Cytogenetic location: Xq28.
Variant type: single nucleotide variant.
Coding change: c.196G>T on transcript NM_001711.6 (MANE Select); coding-DNA position 196, G replaced by T.
Protein change: p.Gly66Cys; replaces glycine 66 with cysteine.
Molecular consequence: missense variant.
Genome position (GRCh38, 1-based): chrX:153,504,827, G>T. VCF-style: chrX-153504827-G-T. GRCh37 (hg19) VCF-style: chrX-152770285-G-T.
Other names: short protein forms G66C.
Identifiers: ClinVar variation 2799744 (VCV002799744.3), dbSNP rs782424958, ClinGen allele CA415068482.